The following is an entry in ClinVar:

ClinVar aggregate classification (germline): Uncertain significance. Review status: criteria provided, multiple submitters, no conflicts (2 of 4 stars). 4 submissions from 4 submitters: Uncertain significance (4). Last evaluated 2025-06-22.

Conditions:
Cardiomyopathy (CMYO). Also called: Cardiomyopathies. Identifiers: Orphanet 167848, MedGen C0878544, MONDO:0004994, HP:0001638. Inheritance: Various modes of inheritance.
Dilated cardiomyopathy 1S (CMD1S). Identifiers: Orphanet 154, Orphanet 54260, MedGen C1834481, MONDO:0013262, OMIM 613426.
Hypertrophic cardiomyopathy. Also called: HYPERTROPHIC MYOCARDIOPATHY. Identifiers: Orphanet 217569, MedGen C0007194, MeSH D002312, MONDO:0005045, HP:0001639.

Allele frequency attached by ClinVar (database versions not stated): gnomAD 0.00001; TOPMed 0.00001.

Submissions (4):

3billion
Classification: Uncertain significance for Dilated cardiomyopathy 1S. Last evaluated: 2025-06-22. Review status: criteria provided, single submitter. Criteria: ACMG Guidelines, 2015. Collection method: clinical testing. Allele origin: germline. Affected: yes.
Comment: The variant is observed at an extremely low frequency in the gnomAD v4.1.0 dataset (total allele frequency: <0.001%). Predicted Consequence/Location: The variant is located in a mutational hot spot and/or well-established functional domain in which established pathogenic variants have been reported (PMID: 29300372). In silico tool predictions suggest damaging effect of the variant on gene or gene product [REVEL: 0.25 (>=0.6, sensitivity 0.68 and specificity 0.92); 3Cnet: 0.76 (> 0.75, sensitivity 0.96 and precision 0.92)]. The variant has been reported as of uncertain significance (ClinVar ID: VCV000426298). Therefore, this variant is classified as VUS according to the recommendation of ACMG/AMP guideline.

Labcorp Genetics (formerly Invitae), Labcorp
Classification: Uncertain significance for Hypertrophic cardiomyopathy. Last evaluated: 2025-04-11. Review status: criteria provided, single submitter. Criteria: Invitae Variant Classification Sherloc (09022015). Collection method: clinical testing. Allele origin: germline.
Comment: This sequence change replaces methionine, which is neutral and non-polar, with isoleucine, which is neutral and non-polar, at codon 330 of the MYH7 protein (p.Met330Ile). This variant is not present in population databases (gnomAD no frequency). This variant has not been reported in the literature in individuals affected with MYH7-related conditions. ClinVar contains an entry for this variant (Variation ID: 426298). Invitae Evidence Modeling of protein sequence and biophysical properties (such as structural, functional, and spatial information, amino acid conservation, physicochemical variation, residue mobility, and thermodynamic stability) indicates that this missense variant is not expected to disrupt MYH7 protein function with a negative predictive value of 95%. In summary, the available evidence is currently insufficient to determine the role of this variant in disease. Therefore, it has been classified as a Variant of Uncertain Significance.

GeneDx
Classification: Uncertain significance. Last evaluated: 2025-03-28. Review status: criteria provided, single submitter. Criteria: GeneDx Variant Classification Process June 2021. Collection method: clinical testing. Allele origin: germline. Affected: yes.
Comment: Not observed at significant frequency in large population cohorts (gnomAD); In silico analysis indicates that this missense variant does not alter protein structure/function; Has not been previously published as pathogenic or benign to our knowledge; This variant is associated with the following publications: (PMID: 27532257, 29300372)

All of Us Research Program, National Institutes of Health
Classification: Uncertain significance for Cardiomyopathy. Last evaluated: 2023-11-02. Review status: criteria provided, single submitter. Criteria: ACMG Guidelines, 2015. Collection method: clinical testing. Allele origin: germline. Inheritance: Autosomal dominant inheritance. Observed: 1 variant allele, 1 heterozygote.
Comment: This missense variant replaces methionine with isoleucine at codon 330 of the MYH7 protein. Computational prediction suggests that this variant may not impact protein structure and function (internally defined REVEL score threshold <= 0.5, PMID: 27666373). To our knowledge, functional studies have not been reported for this variant. This variant has not been reported in individuals affected with MYH7-related disorders in the literature. This variant has not been identified in the general population by the Genome Aggregation Database (gnomAD). The available evidence is insufficient to determine the role of this variant in disease conclusively. Therefore, this variant is classified as a Variant of Uncertain Significance.

This study involves interpretation of variants in research participants for the purpose of population health screening. Participant phenotype was not available at the time of variant classification. Additional details can be found in publication PMID: 35346344, PMCID: PMC8962531

NM_000257.4(MYH7):c.990G>T (p.Met330Ile)

Gene: MYH7 (myosin heavy chain 7; minus strand). Cytogenetic location: 14q11.2.
Variant type: single nucleotide variant.
Coding change: c.990G>T on transcript NM_000257.4 (MANE Select); coding-DNA position 990, G replaced by T.
Protein change: p.Met330Ile; replaces methionine 330 with isoleucine.
Molecular consequence: missense variant.
Genome position (GRCh38, 1-based): chr14:23,430,569, C>A on the plus strand (G>T on the coding strand, the complement: MYH7 is on the minus strand). VCF-style: chr14-23430569-C-A. GRCh37 (hg19) VCF-style: chr14-23899778-C-A.
Other names: c.990G>T (LRG_384t1); short protein forms M330I.
Identifiers: ClinVar variation 426298 (VCV000426298.8), dbSNP rs1085307549, ClinGen allele CA389051603.